The following is an entry in ClinVar:

ClinVar aggregate classification (germline): Likely benign. Review status: criteria provided, multiple submitters, no conflicts (2 of 4 stars). 6 submissions from 6 submitters: Likely benign (5). 1 of the submissions does not count toward it. Last evaluated 2026-02-03.

Conditions:
RECQL-related disorder. Also called: RECQL-related condition.

Allele frequency attached by ClinVar (database versions not stated): gnomAD exomes 0.00012 and 0.00016; ExAC 0.00015; gnomAD 0.00017 and 0.00018; TOPMed 0.00017; 1000 Genomes Project 0.00020; 1000 Genomes Project 30x 0.00031; ESP Exome Variant Server 0.00031.
gnomAD v4.1: 211 of 1,613,142 alleles (0.013%); highest among the groups gnomAD compares: Middle Eastern, 0.083%; no homozygotes.

Submissions (6):

Labcorp Genetics (formerly Invitae), Labcorp
Classification: Likely benign. Last evaluated: 2026-02-03. Review status: criteria provided, single submitter. Criteria: Invitae Variant Classification Sherloc (09022015). Collection method: clinical testing. Allele origin: germline.

Blueprint Genetics
Classification: Likely benign. Last evaluated: 2024-11-25. Review status: criteria provided, single submitter. Criteria: ACMG Guidelines, 2015. Collection method: clinical testing. Allele origin: germline.

Quest Diagnostics Nichols Institute San Juan Capistrano
Classification: Likely benign. Last evaluated: 2023-01-05. Review status: criteria provided, single submitter. Criteria: Quest Diagnostics criteria. Collection method: clinical testing. Allele origin: unknown.

GeneDx
Classification: Likely benign. Last evaluated: 2021-03-28. Review status: criteria provided, single submitter. Criteria: GeneDx Variant Classification Process June 2021. Collection method: clinical testing. Allele origin: germline. Affected: yes.

Breakthrough Genomics
Classification: Likely benign. Review status: criteria provided, single submitter. Criteria: ACMG Guidelines, 2015. Collection method: not provided. Allele origin: germline. Inheritance: Unknown mechanism. Affected: yes.

PreventionGenetics, part of Exact Sciences
Classification: Likely benign for RECQL-related condition. Last evaluated: 2019-02-21. Review status: no assertion criteria provided. Collection method: clinical testing. Allele origin: germline. Not counted in ClinVar's aggregate classification.
Comment: This variant is classified as likely benign based on ACMG/AMP sequence variant interpretation guidelines (Richards et al. 2015 PMID: 25741868, with internal and published modifications).

NM_002907.4(RECQL):c.1590A>G (p.Ala530=)

Gene: RECQL (RecQ like helicase; minus strand). Cytogenetic location: 12p12.1.
Variant type: single nucleotide variant.
Coding change: c.1590A>G on transcript NM_002907.4 (MANE Select); coding-DNA position 1590, A replaced by G.
Protein change: p.Ala530=; no amino-acid change (alanine 530 retained).
Molecular consequence: synonymous variant.
Genome position (GRCh38, 1-based): chr12:21,471,505, T>C on the plus strand (A>G on the coding strand, the complement: RECQL is on the minus strand). VCF-style: chr12-21471505-T-C. GRCh37 (hg19) VCF-style: chr12-21624439-T-C.
Other names: c.1590A>G, p.Ala530= (NM_032941.3).
Identifiers: ClinVar variation 514529 (VCV000514529.16), dbSNP rs71581968, ClinGen allele CA6478715.